The following is an entry in ClinVar:

ClinVar aggregate classification (germline): Benign/Likely benign. Review status: criteria provided, multiple submitters, no conflicts (2 of 4 stars). 8 submissions from 8 submitters: Benign (2); Likely benign (6). Last evaluated 2026-08-10.

Conditions:
TSC2-related disorder. Also called: TSC2-related condition; TSC2-Related Disorders.
Hereditary cancer-predisposing syndrome. Also called: Neoplastic Syndromes, Hereditary; Hereditary neoplastic syndrome; Hereditary Cancer Syndrome; Tumor predisposition. Identifiers: Orphanet 140162, MedGen C0027672, MeSH D009386, MONDO:0015356.
Tuberous sclerosis syndrome (TSC). Also called: Tuberous sclerosis; Tuberous Sclerosis Complex. Identifiers: Orphanet 805, MedGen C0041341, MONDO:0001734.
Tuberous sclerosis 2 (TSC2). Identifiers: Orphanet 805, MedGen C1860707, MONDO:0013199, OMIM 613254.

Submissions (8):

PreventionGenetics, part of Exact Sciences
Classification: Likely benign for TSC2-related condition. Last evaluated: 2026-08-10. Review status: criteria provided, single submitter. Criteria: ACMG Guidelines, 2015. Collection method: clinical testing. Allele origin: germline.
Comment: This variant is classified as likely benign based on ACMG/AMP sequence variant interpretation guidelines (Richards et al. 2015 PMID: 25741868, with internal and published modifications).

Labcorp Genetics (formerly Invitae), Labcorp
Classification: Likely benign for Tuberous sclerosis 2. Last evaluated: 2025-09-10. Review status: criteria provided, single submitter. Criteria: Invitae Variant Classification Sherloc (09022015). Collection method: clinical testing. Allele origin: germline.

Myriad Genetics, Inc.
Classification: Benign for Tuberous sclerosis 2. Last evaluated: 2025-05-27. Review status: criteria provided, single submitter. Criteria: Myriad Autosomal Dominant, Autosomal Recessive and X-Linked Classification Criteria (2023). Collection method: clinical testing. Allele origin: unknown.
Comment: This variant is considered benign. This variant is a silent/synonymous amino acid change and it is not expected to impact splicing.

All of Us Research Program, National Institutes of Health
Classification: Likely benign for Tuberous sclerosis syndrome. Last evaluated: 2024-06-09. Review status: criteria provided, single submitter. Criteria: ACMG Guidelines, 2015. Collection method: clinical testing. Allele origin: germline. Inheritance: Autosomal dominant inheritance. Observed: 5 variant alleles, 5 heterozygotes.
Comment: This study involves interpretation of variants in research participants for the purpose of population health screening. Participant phenotype was not available at the time of variant classification. Additional details can be found in publication PMID: 35346344, PMCID: PMC8962531

Color Diagnostics, LLC DBA Color Health
Classification: Likely benign for Tuberous sclerosis syndrome. Last evaluated: 2022-09-28. Review status: criteria provided, single submitter. Criteria: ACMG Guidelines, 2015. Collection method: clinical testing. Allele origin: germline.

Ambry Genetics
Classification: Likely benign for Hereditary cancer-predisposing syndrome. Last evaluated: 2022-02-22. Review status: criteria provided, single submitter. Criteria: Ambry Variant Classification Scheme 2023. Collection method: clinical testing. Allele origin: germline.

Genome-Nilou Lab
Classification: Benign for Tuberous sclerosis 2. Last evaluated: 2021-11-07. Review status: criteria provided, single submitter. Criteria: ACMG Guidelines, 2015. Collection method: clinical testing. Allele origin: germline. Affected: no.

GeneDx
Classification: Likely benign. Last evaluated: 2016-07-27. Review status: criteria provided, single submitter. Criteria: GeneDx Variant Classification (06012015). Collection method: clinical testing. Allele origin: germline. Affected: yes.
Comment: This variant is considered likely benign or benign based on one or more of the following criteria: it is a conservative change, it occurs at a poorly conserved position in the protein, it is predicted to be benign by multiple in silico algorithms, and/or has population frequency not consistent with disease.

NM_000548.5(TSC2):c.2916C>T (p.Ala972=)

Gene: TSC2 (TSC complex subunit 2; plus strand). Cytogenetic location: 16p13.3.
Variant type: single nucleotide variant.
Coding change: c.2916C>T on transcript NM_000548.5 (MANE Select); coding-DNA position 2916, C replaced by T.
Protein change: p.Ala972=; no amino-acid change (alanine 972 retained).
Molecular consequence: synonymous variant. On other transcripts: intron variant (9).
Genome position (GRCh38, 1-based): chr16:2,077,676, C>T. VCF-style: chr16-2077676-C-T. GRCh37 (hg19) VCF-style: chr16-2127677-C-T.
Other names: c.2916C>T (NM_000548.4); c.2916C>T, p.Ala972= (NM_001114382.3); c.2837+1091C>T (NM_021055.3, NM_001370405.1, NM_001363528.2 and 2 more transcripts); c.2726+1091C>T (NM_001318827.2); c.2237+1091C>T (NM_001318831.2); c.2690+1091C>T (NM_001318829.2); c.2870+1091C>T (NM_001318832.2).
Identifiers: ClinVar variation 238002 (VCV000238002.20), dbSNP rs751474097, ClinGen allele CA042710.